The following continues an entry in ClinVar:

NM_004004.6(GJB2):c.313_326del (p.Lys105fs)

Gene: GJB2. ClinVar aggregate classification (germline): Pathogenic/Likely pathogenic. Pathogenic (39); Likely pathogenic (1).

Submissions 11 to 24 of 44:

Women's Health and Genetics/Laboratory Corporation of America, LabCorp
Classification: Pathogenic for Autosomal recessive nonsyndromic hearing loss 1A. Last evaluated: 2025-05-01. Review status: criteria provided, single submitter. Criteria: LabCorp Variant Classification Summary - May 2015. Collection method: clinical testing. Allele origin: germline.
Comment: Variant summary: GJB2 c.313_326del14 (p.Lys105GlyfsX5) results in a premature termination codon, predicted to cause a truncation of the encoded protein or absence of the protein due to nonsense mediated decay, which are commonly known mechanisms for disease. The variant allele was found at a frequency of 0.00013 in 250302 control chromosomes (gnomAD). This frequency is not significantly higher than estimated for a pathogenic variant in GJB2 causing Autosomal Recessive Non-Syndromic Hearing Loss (0.00013 vs 0.025), allowing no conclusion about variant significance. c.313_326del14 has been observed in multiple individuals affected with Autosomal Recessive Non-Syndromic Hearing Loss (Wu_2002, Kupka_2002, Marlin_2005, Cryns_2004). These data indicate that the variant is very likely to be associated with disease. To our knowledge, no experimental evidence demonstrating an impact on protein function has been reported. The following publications have been ascertained in the context of this evaluation (PMID: 14985372, 15967879, 12112666, 12172394). ClinVar contains an entry for this variant (Variation ID: 44737). Based on the evidence outlined above, the variant was classified as pathogenic.

Laboratory of Genetics, Children's Clinical University Hospital Latvia
Classification: Pathogenic. Last evaluated: 2025-02-16. Review status: criteria provided, single submitter. Criteria: ACMG Guidelines, 2015. Collection method: clinical testing. Allele origin: germline. Affected: yes.

Victorian Clinical Genetics Services, Murdoch Childrens Research Institute
Classification: Pathogenic for Autosomal recessive nonsyndromic hearing loss 1A. Last evaluated: 2024-10-09. Review status: criteria provided, single submitter. Criteria: ACMG Guidelines, 2015. Collection method: clinical testing. Allele origin: germline. Inheritance: Autosomal recessive inheritance. Affected: yes.
Comment: Based on the classification scheme VCGS_Germline_v1.3.4, this variant is classified as Pathogenic. Following criteria are met: 0102 - Loss of function is a known mechanism of disease in this gene and is associated with both deafness and skin conditions (OMIM). Dominant negative is also a suggested mechanism (PMID: 28428247). (I) 0108 - This gene is associated with both recessive and dominant disease. The autosomal dominant diseases are commonly associated with pathogenic missense variants. The autosomal recessive disease is associated with bi-allelic loss-of-function variants and includes missense and protein truncating variants (NIH Genetics Home Reference, PMID: 12792423). (I) 0112 - The condition associated with this gene has incomplete penetrance (PMID:31160754). (I) 0115 - Variants in this gene are known to have variable expressivity. Severity can range from mild to profound with intrafamilial variability also commonly seen. Commonly, truncating variants are associated to a more severe hearing loss (GeneReviews). (I) 0204 - Variant is predicted to result in a truncated protein (premature termination codon is NOT located at least 54 nucleotides upstream of the final exon-exon junction) with at least 1/3 of the protein sequence affected. (SP) 0251 - This variant is heterozygous. (I) 0304 - Variant is present in gnomAD (v3) <0.01 for a recessive condition (23 heterozygotes, 0 homozygotes). (SP) 0801 - This variant has very strong previous evidence of pathogenicity in unrelated individuals. This variant is a commonly reported pathogenic variant (ClinVar, Deafness Variation database), and has been reported in the literature in many individuals with hearing loss (PMIDs: 26896187, 27224056, 36579563). (SP) 1208 - Inheritance information for this variant is not currently available in this individual. (I) Legend: (SP) - Supporting pathogenic, (I) - Information, (SB) - Supporting benign

Athena Diagnostics
Classification: Pathogenic. Last evaluated: 2024-08-20. Review status: criteria provided, single submitter. Criteria: Athena Diagnostics Criteria. Collection method: clinical testing. Allele origin: unknown.
Comment: The frequency of this variant in the general population is consistent with pathogenicity. This variant is not expected to cause loss of protein expression through nonsense-mediated decay. However, it disrupts a critical region of the protein, and therefore, is expected to severely disrupt its function. In multiple individuals with clinical features associated with autosomal recessive nonsyndromic hearing loss, this variant has been seen with a single recessive pathogenic variant in the same gene. In some published literature, this variant is referred to as c.312del14.

Institute of Human Genetics, University of Leipzig Medical Center
Classification: Pathogenic for Autosomal recessive nonsyndromic hearing loss 1A. Last evaluated: 2024-07-23. Review status: criteria provided, single submitter. Criteria: ACMG Guidelines, 2015. Collection method: clinical testing. Allele origin: paternal. Inheritance: Autosomal recessive inheritance. Affected: yes.
Comment: Criteria applied: PVS1,PM3_VSTR

Blueprint Genetics
Classification: Pathogenic for GJB2-related disorders. Last evaluated: 2024-06-20. Review status: criteria provided, single submitter. Criteria: ACMG Guidelines, 2015. Collection method: clinical testing. Allele origin: germline. Affected: yes. Observed: 5 variant alleles.

Fulgent Genetics
Classification: Pathogenic for Mutilating keratoderma; Autosomal dominant keratitis-ichthyosis-hearing loss syndrome; Palmoplantar keratoderma-deafness syndrome; Knuckle pads, deafness AND leukonychia syndrome; Autosomal recessive nonsyndromic hearing loss 1A; Autosomal dominant nonsyndromic hearing loss 3A. Last evaluated: 2024-06-18. Review status: criteria provided, single submitter. Criteria: ACMG Guidelines, 2015. Collection method: clinical testing. Allele origin: germline.

Neuberg Centre For Genomic Medicine, NCGM
Classification: Pathogenic for Autosomal recessive nonsyndromic hearing loss 1A. Last evaluated: 2023-07-22. Review status: criteria provided, single submitter. Criteria: ACMG Guidelines, 2015. Collection method: clinical testing. Allele origin: germline. Inheritance: Autosomal recessive inheritance. Affected: yes.
Comment: The observed frameshift variant c.313_326delp.Lys105GlyfsTer5 in GJB2 gene has been reported previously in homozygous/compound heterozygous state in multiple individuals with autosomal recessive nonsyndromic hearing loss Mikstiene V, et al., 2016, Barashkov NA, et al., 2016. The p.Lys105GlyfsTer5 variant is reported with 0.01% allele frequency in gnomAD Exomes. It has been submitted to ClinVar as Likely Pathogenic/ Pathogenic multiple submissions. Other variants that disrupt this residue have been determined to be pathogenic and also this variant has been detected in trans with other pathogenic variants in different hearing loss patients Keivani A, et al., 2015. This variant causes a frameshift starting with codon Lysine 105, changes this amino acid to Glycine residue, and creates a premature Stop codon at position 5 of the new reading frame, denoted p.Lys105GlyfsTer5. Loss of function variants have been previously reported to be disease causing. For these reasons, this variant has been classified as Pathogenic.

Department of Pathology and Laboratory Medicine, Sinai Health System
Classification: Pathogenic for Knuckle pads, deafness AND leukonychia syndrome; Mutilating keratoderma; Palmoplantar keratoderma-deafness syndrome. Last evaluated: 2022-12-31. Review status: criteria provided, single submitter. Criteria: ACMG Guidelines, 2015. Collection method: research. Allele origin: germline.

Department of Human Genetics, Hannover Medical School
Classification: Pathogenic for Autosomal recessive nonsyndromic hearing loss 1A. Last evaluated: 2022-12-21. Review status: criteria provided, single submitter. Criteria: ACMG Guidelines, 2015. Collection method: clinical testing. Allele origin: germline. Inheritance: Autosomal recessive inheritance. Affected: yes.

Dubai Health Genomic Medicine Center, Dubai Health
Classification: Pathogenic. Last evaluated: 2022-12-17. Review status: criteria provided, single submitter. Criteria: ACMG Guidelines, 2015. Collection method: clinical testing. Allele origin: germline. Affected: yes.

Mayo Clinic Laboratories, Mayo Clinic
Classification: Pathogenic. Last evaluated: 2022-08-31. Review status: criteria provided, single submitter. Criteria: ACMG Guidelines, 2015. Collection method: clinical testing. Allele origin: germline. Observed: 1 variant allele.
Comment: PM2_supporting, PM3_very_strong, PVS1

ARUP Laboratories, Molecular Genetics and Genomics, ARUP Laboratories
Classification: Pathogenic. Last evaluated: 2022-02-03. Review status: criteria provided, single submitter. Criteria: ARUP Molecular Germline Variant Investigation Process 2021. Collection method: clinical testing. Allele origin: germline.
Comment: The GJB2 c.313_326del; p.Lys105GlyfsTer5 variant (rs111033253) is reported in the literature in individuals affected with hearing loss, both in the homozygous state and in trans to other pathogenic variants (Dalamon 2013, Denoyelle 1999, Kupa 2002, Mikstiene 2016). This variant is reported as pathogenic by numerous laboratories in ClinVar (Variation ID: 44737) and it is found in the general population with an overall allele frequency of 0.01% (38/281690 alleles) in the Genome Aggregation Database. This variant causes a frameshift by deleting 14 nucleotides, so it is predicted to result in a truncated protein or mRNA subject to nonsense-mediated decay. Based on available information, the c.313_326del variant is considered to be pathogenic. References: Dalamon V et al. Identification of four novel connexin 26 mutations in non-syndromic deaf patients: genotype-phenotype analysis in moderate cases. Mol Biol Rep. 2013 Dec;40(12):6945-55. PMID: 24158611. Denoyelle F et al. Clinical features of the prevalent form of childhood deafness, DFNB1, due to a connexin-26 gene defect: implications for genetic counselling. Lancet. 1999 Apr 17;353(9161):1298-303. PMID: 10218527. Kupka S et al. Frequencies of GJB2 mutations in German control individuals and patients showing sporadic non-syndromic hearing impairment. Hum Mutat. 2002 Jul;20(1):77-8. PMID: 12112666. Mikstiene V et al. The high frequency of GJB2 gene mutation c.313_326del14 suggests its possible origin in ancestors of Lithuanian population. BMC Genet. 2016 Feb 19;17:45. PMID: 26896187.

MGZ Medical Genetics Center
Classification: Pathogenic for Autosomal recessive nonsyndromic hearing loss 1A. Last evaluated: 2021-12-09. Review status: criteria provided, single submitter. Criteria: ACMG Guidelines, 2015. Collection method: clinical testing. Allele origin: germline. Affected: yes. Observed: 2 variant alleles.
Comment: ACMG criteria applied: PVS1, PM3_STR, PM2_SUP